The following is an entry in ClinVar:

NM_000535.7(PMS2):c.2415G>T (p.Gln805His)

Gene: PMS2 (PMS1 homolog 2, mismatch repair system component; minus strand). Cytogenetic location: 7p22.1.
Variant type: single nucleotide variant.
Coding change: c.2415G>T on transcript NM_000535.7 (MANE Select); coding-DNA position 2415, G replaced by T.
Protein change: p.Gln805His; replaces glutamine 805 with histidine.
Molecular consequence: missense variant. On other transcripts: non-coding transcript variant (1).
Genome position (GRCh38, 1-based): chr7:5,977,618, C>A on the plus strand (G>T on the coding strand, the complement: PMS2 is on the minus strand). VCF-style: chr7-5977618-C-A. GRCh37 (hg19) VCF-style: chr7-6017249-C-A.
Other names: c.2010G>T, p.Gln670His (NM_001322003.2, NM_001322004.2, NM_001322005.2 and 11 more transcripts); c.2259G>T, p.Gln753His (NM_001322006.2); c.2097G>T, p.Gln699His (NM_001322007.2, NM_001322008.2, NM_001406883.1); c.2043G>T, p.Gln681His (NM_001322009.2, NM_001406887.1, NM_001406888.1); c.1854G>T, p.Gln618His (NM_001322010.2, NM_001406906.1, NM_001406907.1); c.1482G>T, p.Gln494His (NM_001322011.2, NM_001322012.2); c.1842G>T, p.Gln614His (NM_001322013.2, NM_001406908.1, NM_001406909.1); c.2448G>T, p.Gln816His (NM_001322014.2); and 20 more; short protein forms Q681H, Q699H, Q710H, Q739H, Q764H, Q816H, Q566H, Q614H.
Identifiers: ClinVar variation 3308115 (VCV003308115.1).

ClinVar aggregate classification (germline): Uncertain significance (1 of 4 stars; one submission).

Conditions:
Hereditary cancer-predisposing syndrome. Also called: Tumor predisposition; Hereditary Cancer Syndrome; Hereditary neoplastic syndrome; Neoplastic Syndromes, Hereditary. Identifiers: Orphanet 140162, MedGen C0027672, MeSH D009386, MONDO:0015356.

Submission:

Ambry Genetics
Classification: Uncertain significance for Hereditary cancer-predisposing syndrome. Last evaluated: 2024-05-24. Review status: criteria provided, single submitter. Criteria: Ambry Variant Classification Scheme 2023. Collection method: clinical testing. Allele origin: germline.
Comment: The p.Q805H variant (also known as c.2415G>T), located in coding exon 14 of the PMS2 gene, results from a G to T substitution at nucleotide position 2415. The glutamine at codon 805 is replaced by histidine, an amino acid with highly similar properties. This amino acid position is conserved. In addition, the in silico prediction for this alteration is inconclusive. Based on the available evidence, the clinical significance of this variant remains unclear.